The following is an entry in ClinVar:

ClinVar aggregate classification (germline): Pathogenic (1 of 4 stars; one submission).

Conditions:
Glycine encephalopathy. Also called: Nonketotic hyperglycinemia; Non-ketotic hyperglycinemia. Identifiers: Orphanet 407, MedGen C0751748, MONDO:0011612, HP:0008288.

Submission:

Labcorp Genetics (formerly Invitae), Labcorp
Classification: Pathogenic for Glycine encephalopathy. Last evaluated: 2022-12-22. Review status: criteria provided, single submitter. Criteria: Invitae Variant Classification Sherloc (09022015). Collection method: clinical testing. Allele origin: germline.
Comment: This sequence change creates a premature translational stop signal (p.Gly27Alafs*57) in the GLDC gene. It is expected to result in an absent or disrupted protein product. Loss-of-function variants in GLDC are known to be pathogenic (PMID: 16601880). This variant is not present in population databases (gnomAD no frequency). For these reasons, this variant has been classified as Pathogenic. This variant has not been reported in the literature in individuals affected with GLDC-related conditions.

Literature cited by the submitters: PubMed 16601880.

NM_000170.3(GLDC):c.80_93del (p.Gly27fs)

Gene: GLDC (glycine decarboxylase; minus strand). Cytogenetic location: 9p24.1.
Variant type: Deletion.
Coding change: c.80_93del on transcript NM_000170.3 (MANE Select); coding-DNA positions 80 to 93, 14 bases deleted (GGCCGTGCTGGGCG).
Protein change: p.Gly27fs; shifts the reading frame from glycine 27.
Molecular consequence: frameshift variant.
Genome position (GRCh38, 1-based): chr9:6,645,407-6,645,420, CGCCCAGCACGGCC deleted on the plus strand (GGCCGTGCTGGGCG on the coding strand, the reverse complement: GLDC is on the minus strand); deleting any 14 consecutive bases within chr9:6,645,407-6,645,421 gives the same sequence; the c. name uses the placement nearest the transcript's 3' end. VCF-style (leftmost placement, unchanged base first): chr9-6645406-GCGCCCAGCACGGCC-G. GRCh37 (hg19) VCF-style: chr9-6645406-GCGCCCAGCACGGCC-G.
Other names: short protein forms G27fs.
Identifiers: ClinVar variation 2823165 (VCV002823165.3), dbSNP rs2489162816, ClinGen allele CA2689366570.